The following is an entry in ClinVar:

ClinVar aggregate classification (germline): Conflicting classifications of pathogenicity. Review status: criteria provided, conflicting classifications (1 of 4 stars). 5 submissions from 5 submitters: Uncertain significance (1); Benign (1); Likely benign (2). 1 of the submissions does not count toward it. Last evaluated 2026-01-20.

Conditions:
ILDR1-related disorder. Also called: ILDR1-related condition.

Allele frequency attached by ClinVar (database versions not stated): gnomAD 0.00009 and 0.00012; TOPMed 0.00014; ExAC 0.00026; gnomAD exomes 0.00038; 1000 Genomes Project 30x 0.00062; 1000 Genomes Project 0.00080.

Submissions (5):

Labcorp Genetics (formerly Invitae), Labcorp
Classification: Benign. Last evaluated: 2026-01-20. Review status: criteria provided, single submitter. Criteria: Invitae Variant Classification Sherloc (09022015). Collection method: clinical testing. Allele origin: germline.

Blueprint Genetics
Classification: Likely benign. Last evaluated: 2024-04-22. Review status: criteria provided, single submitter. Criteria: ACMG Guidelines, 2015. Collection method: clinical testing. Allele origin: germline.

Laboratory for Molecular Medicine, Mass General Brigham Personalized Medicine
Classification: Likely benign. Last evaluated: 2017-08-23. Review status: criteria provided, single submitter. Criteria: LMM Criteria. Collection method: clinical testing. Allele origin: germline. Observed: 1 variant allele.
Comment: p.Pro264Pro in exon 7 of ILDR1: This variant is not expected to have clinical significance because it does not alter an amino acid residue and is not located within the splice consensus sequence. It has been identified in 0.32% (27/8562) of East Asian chromosomes by the Exome Aggregation Consortium (ExAC; dbSNP rs186672543).

Eurofins Ntd Llc (ga)
Classification: Uncertain significance. Last evaluated: 2016-12-05. Review status: criteria provided, single submitter. Criteria: EGL Classification Definitions 2015. Collection method: clinical testing. Allele origin: germline. Observed: 1 variant allele, 1 heterozygote.

PreventionGenetics, part of Exact Sciences
Classification: Likely benign for ILDR1-related condition. Last evaluated: 2024-09-20. Review status: no assertion criteria provided. Collection method: clinical testing. Allele origin: germline. Not counted in ClinVar's aggregate classification.
Comment: This variant is classified as likely benign based on ACMG/AMP sequence variant interpretation guidelines (Richards et al. 2015 PMID: 25741868, with internal and published modifications).

NM_001199799.2(ILDR1):c.792G>A (p.Pro264=)

Gene: ILDR1 (immunoglobulin like domain containing receptor 1; minus strand). Cytogenetic location: 3q13.33.
Variant type: single nucleotide variant.
Coding change: c.792G>A on transcript NM_001199799.2 (MANE Select); coding-DNA position 792, G replaced by A.
Protein change: p.Pro264=; no amino-acid change (proline 264 retained).
Molecular consequence: synonymous variant.
Genome position (GRCh38, 1-based): chr3:121,993,957, C>T on the plus strand (G>A on the coding strand, the complement: ILDR1 is on the minus strand). VCF-style: chr3-121993957-C-T. GRCh37 (hg19) VCF-style: chr3-121712804-C-T.
Other names: c.525G>A, p.Pro175= (NM_001199800.2); c.660G>A, p.Pro220= (NM_175924.4).
Identifiers: ClinVar variation 498101 (VCV000498101.20), dbSNP rs186672543, ClinGen allele CA2568824.
Genomic context (GRCh38, chr3:121,993,957, plus strand): 5'-ACCATTGGCGATGGGAGGCTGATTGGTGGTCTGGGTCATTGGCATCTGCGGGAGGCTGGA[C>T]GGCAGGGACAAATCTGAATGGAAACAAGGACAGGACAATAGAACAAATGGCCCAAAACAT-3'
Protein context (NP_001186728.1, residues 254-274): HPLLQRDLSL[Pro264=]SSLPQMPMTQ